The following is an entry in ClinVar:

ClinVar aggregate classification (germline): Likely benign. Review status: criteria provided, multiple submitters, no conflicts (2 of 4 stars). 2 submissions from 2 submitters: Likely benign (2). Last evaluated 2026-06-01.

gnomAD v4.1: 23 of 1,613,572 alleles (0.0014%); highest among the groups gnomAD compares: Non-Finnish European, 0.0019%; no homozygotes.

Submissions (2):

CeGaT Center for Human Genetics Tuebingen
Classification: Likely benign. Last evaluated: 2026-06-01. Review status: criteria provided, single submitter. Criteria: CeGaT Center For Human Genetics Tuebingen Variant Classification Criteria Version 2. Collection method: clinical testing. Allele origin: germline. Affected: yes. Observed: 1 variant allele.
Comment: POLR3B: BP4, BP7

Blueprint Genetics
Classification: Likely benign. Last evaluated: 2024-09-10. Review status: criteria provided, single submitter. Criteria: ACMG Guidelines, 2015. Collection method: clinical testing. Allele origin: germline.

NM_018082.6(POLR3B):c.1527A>G (p.Gly509=)

Gene: POLR3B (RNA polymerase III subunit B; plus strand). Cytogenetic location: 12q23.3.
Variant type: single nucleotide variant.
Coding change: c.1527A>G on transcript NM_018082.6 (MANE Select); coding-DNA position 1527, A replaced by G.
Protein change: p.Gly509=; no amino-acid change (glycine 509 retained).
Molecular consequence: synonymous variant.
Genome position (GRCh38, 1-based): chr12:106,432,380, A>G. VCF-style: chr12-106432380-A-G. GRCh37 (hg19) VCF-style: chr12-106826158-A-G.
Other names: c.1353A>G, p.Gly451= (NM_001160708.2).
Identifiers: ClinVar variation 4872377 (VCV004872377.3).
Genomic context (GRCh38, chr12:106,432,380, plus strand): 5'-ATGTGGTTTGGTTAAAAACTTGGCCCTTATGACACACATCACAACTGATATGGAAGATGG[A>G]CCCATTGTTAAATTAGCCAGTAACTTGGGAGTAGAAGATGTGAATTTATTATGTGGGGAA-3'
Protein context (NP_060552.4, residues 499-519): MTHITTDMED[Gly509=]PIVKLASNLG